The following is an entry in ClinVar:

NM_001177519.3(MICA):c.904G>A (p.Val302Met)

Gene: MICA (MHC class I polypeptide-related sequence A; plus strand). Cytogenetic location: 6p21.33.
Variant type: single nucleotide variant.
Coding change: c.904G>A on transcript NM_001177519.3 (MANE Select); coding-DNA position 904, G replaced by A.
Protein change: p.Val302Met; replaces valine 302 with methionine.
Molecular consequence: missense variant.
Genome position (GRCh38, 1-based): chr6:31,412,336, G>A. VCF-style: chr6-31412336-G-A. GRCh37 (hg19) VCF-style: chr6-31380113-G-A.
Other names: c.904G>A (NM_001177519.1); c.904G>A, p.Val302Met (NM_000247.3); c.613G>A, p.Val205Met (NM_001289152.2, NM_001289153.2); c.490G>A, p.Val164Met (NM_001289154.2); short protein forms V164M, V205M, V302M.
Identifiers: ClinVar variation 2656402 (VCV002656402.25), dbSNP rs372677694, ClinGen allele CA3712286.

ClinVar aggregate classification (germline): Conflicting classifications of pathogenicity. Review status: criteria provided, conflicting classifications (1 of 4 stars). 2 submissions from 2 submitters: Uncertain significance (1); Likely benign (1). Last evaluated 2024-10-29.

Allele frequency attached by ClinVar (database versions not stated): gnomAD 0.00009; ExAC 0.00014; 1000 Genomes Project 30x 0.00031; 1000 Genomes Project 0.00040; gnomAD exomes 0.00004; TOPMed 0.00008.
gnomAD v4.1: 116 of 1,600,258 alleles (0.0072%); highest among the groups gnomAD compares: East Asian, 0.13%; 5 homozygotes.

Submissions (2):

Ambry Genetics
Classification: Uncertain significance. Last evaluated: 2024-10-29. Review status: criteria provided, single submitter. Criteria: Ambry Variant Classification Scheme 2023. Collection method: clinical testing. Allele origin: germline.

CeGaT Center for Human Genetics Tuebingen
Classification: Likely benign. Last evaluated: 2023-01-01. Review status: criteria provided, single submitter. Criteria: CeGaT Center For Human Genetics Tuebingen Variant Classification Criteria Version 2. Collection method: clinical testing. Allele origin: germline. Affected: yes. Observed: 1 variant allele.
Comment: MICA: BP4